The following is an entry in ClinVar:

ClinVar aggregate classification (germline): Uncertain significance (1 of 4 stars; one submission).

Allele frequency attached by ClinVar (database versions not stated): TOPMed 0.00001; gnomAD 0.00001.
gnomAD v4.1: 13 of 1,549,866 alleles (0.00084%); highest among the groups gnomAD compares: Admixed American, 0.002%; no homozygotes.

Submission:

Labcorp Genetics (formerly Invitae), Labcorp
Classification: Uncertain significance. Last evaluated: 2021-09-24. Review status: criteria provided, single submitter. Criteria: Invitae Variant Classification Sherloc (09022015). Collection method: clinical testing. Allele origin: germline.
Comment: This sequence change replaces cysteine with serine at codon 1028 of the EYS protein (p.Cys1028Ser). The cysteine residue is highly conserved and there is a moderate physicochemical difference between cysteine and serine. This variant is not present in population databases (ExAC no frequency). This variant has not been reported in the literature in individuals with EYS-related conditions. Algorithms developed to predict the effect of missense changes on protein structure and function (SIFT, PolyPhen-2, Align-GVGD) all suggest that this variant is likely to be disruptive, but these predictions have not been confirmed by published functional studies and their clinical significance is uncertain. Algorithms developed to predict the effect of sequence changes on RNA splicing suggest that this variant may create or strengthen a splice site, but this prediction has not been confirmed by published transcriptional studies. In summary, the available evidence is currently insufficient to determine the role of this variant in disease. Therefore, it has been classified as a Variant of Uncertain Significance.

NM_001142800.2(EYS):c.3082T>A (p.Cys1028Ser)

Gene: EYS (eyes shut homolog; minus strand). Cytogenetic location: 6q12.
Variant type: single nucleotide variant.
Coding change: c.3082T>A on transcript NM_001142800.2 (MANE Select); coding-DNA position 3082, T replaced by A.
Protein change: p.Cys1028Ser; replaces cysteine 1028 with serine.
Molecular consequence: missense variant.
Genome position (GRCh38, 1-based): chr6:64,822,733, A>T on the plus strand (T>A on the coding strand, the complement: EYS is on the minus strand). VCF-style: chr6-64822733-A-T. GRCh37 (hg19) VCF-style: chr6-65532626-A-T.
Other names: c.3082T>A, p.Cys1028Ser (NM_001292009.2); short protein forms C1028S.
Identifiers: ClinVar variation 1516596 (VCV001516596.5), dbSNP rs1406985657, ClinGen allele CA364787789.
Genomic context (GRCh38, chr6:64,822,733, plus strand): 5'-AAAGGCAATCATTGGCGTTTGTTTCACAGTGTGTTCCAAAAAACCCACTCTTGCAGTCAC[A>T]GGTATAATGATTGATGCCATCGATACAAACTCCATCATGGAGACAGGGCTCTGATAGGCA-3'
Protein context (NP_001136272.1, residues 1018-1038): VCIDGINHYT[Cys1028Ser]DCKSGFFGTH